The following is an entry in ClinVar:

NM_152564.5(VPS13B):c.5517G>A (p.Gln1839=)

Gene: VPS13B (vacuolar protein sorting 13 homolog B; plus strand). Cytogenetic location: 8q22.2.
Variant type: single nucleotide variant.
Coding change: c.5517G>A on transcript NM_152564.5 (MANE Select); coding-DNA position 5517, G replaced by A.
Protein change: p.Gln1839=; no amino-acid change (glutamine 1839 retained).
Molecular consequence: synonymous variant.
Genome position (GRCh38, 1-based): chr8:99,642,107, G>A. VCF-style: chr8-99642107-G-A. GRCh37 (hg19) VCF-style: chr8-100654335-G-A.
Other names: p.Gln1864=; c.5592G>A, p.Gln1864= (NM_017890.5).
Identifiers: ClinVar variation 212577 (VCV000212577.32), dbSNP rs61742808, ClinGen allele CA206189.

ClinVar aggregate classification (germline): Benign/Likely benign. Review status: criteria provided, multiple submitters, no conflicts (2 of 4 stars). 10 submissions from 10 submitters: Benign (6); Likely benign (3). 1 of the submissions does not count toward it. Last evaluated 2026-02-02.

Conditions:
Inborn genetic diseases. Identifiers: MedGen C0950123, MeSH D030342.
Cohen syndrome (COH1). Also called: PEPPER SYNDROME; Cutis verticis gyrata, retinitis pigmentosa, and sensorineural deafness. Identifiers: Orphanet 193, MedGen C0265223, MONDO:0008999, OMIM 216550.

Allele frequency attached by ClinVar (database versions not stated): gnomAD exomes 0.00065 and 0.00170; ExAC 0.00214; 1000 Genomes Project 0.00679; gnomAD 0.00685 and 0.00740; TOPMed 0.00762; ESP Exome Variant Server 0.00777; 1000 Genomes Project 30x 0.00812.
gnomAD v4.1: 2,024 of 1,614,076 alleles (0.13%); highest among the groups gnomAD compares: African/African-American, 2.4%; 22 homozygotes.

Submissions (10):

Labcorp Genetics (formerly Invitae), Labcorp
Classification: Benign for Cohen syndrome. Last evaluated: 2026-02-02. Review status: criteria provided, single submitter. Criteria: Invitae Variant Classification Sherloc (09022015). Collection method: clinical testing. Allele origin: germline.

Women's Health and Genetics/Laboratory Corporation of America, LabCorp
Classification: Likely benign. Last evaluated: 2026-01-22. Review status: criteria provided, single submitter. Criteria: LabCorp Variant Classification Summary - May 2015. Collection method: clinical testing. Allele origin: germline.

Athena Diagnostics
Classification: Benign. Last evaluated: 2024-11-25. Review status: criteria provided, single submitter. Criteria: Athena Diagnostics Criteria. Collection method: clinical testing. Allele origin: unknown.

GeneDx
Classification: Likely benign. Last evaluated: 2021-03-01. Review status: criteria provided, single submitter. Criteria: GeneDx Variant Classification Process June 2021. Collection method: clinical testing. Allele origin: germline. Affected: yes.

Mayo Clinic Laboratories, Mayo Clinic
Classification: Benign. Last evaluated: 2020-09-01. Review status: criteria provided, single submitter. Criteria: ACMG Guidelines, 2015. Collection method: clinical testing. Allele origin: germline. Observed: 10 variant alleles.

Illumina Laboratory Services, Illumina
Classification: Benign for Cohen syndrome. Last evaluated: 2018-01-13. Review status: criteria provided, single submitter. Criteria: ICSL Variant Classification Criteria 13 December 2019. Collection method: clinical testing. Allele origin: germline.
Comment: This variant was observed in the ICSL laboratory as part of a predisposition screen in an ostensibly healthy population. It had not been previously curated by ICSL or reported in the Human Gene Mutation Database (HGMD: prior to June 1st, 2018), and was therefore a candidate for classification through an automated scoring system. Utilizing variant allele frequency, disease prevalence and penetrance estimates, and inheritance mode, an automated score was calculated to assess if this variant is too frequent to cause the disease. Based on the score and internal cut-off values, a variant classified as benign is not then subjected to further curation. The score for this variant resulted in a classification of benign for this disease.

Ambry Genetics
Classification: Benign for Inborn genetic diseases. Last evaluated: 2016-06-06. Review status: criteria provided, single submitter. Criteria: Ambry Variant Classification Scheme 2023. Collection method: clinical testing. Allele origin: germline.

Genetic Services Laboratory, University of Chicago
Classification: Benign. Last evaluated: 2014-05-01. Review status: criteria provided, single submitter. Criteria: ACMG Guidelines, 2007. Collection method: clinical testing. Allele origin: germline.

Breakthrough Genomics
Classification: Likely benign. Review status: criteria provided, single submitter. Criteria: ACMG Guidelines, 2015. Collection method: not provided. Allele origin: germline. Inheritance: Autosomal recessive inheritance. Affected: yes.

Natera, Inc.
Classification: Benign for Cohen syndrome. Last evaluated: 2020-09-16. Review status: no assertion criteria provided. Collection method: clinical testing. Allele origin: germline. Not counted in ClinVar's aggregate classification.